The following is an entry in ClinVar:

ClinVar aggregate classification (germline): Pathogenic. Review status: criteria provided, multiple submitters, no conflicts (2 of 4 stars). 2 submissions from 2 submitters: Pathogenic (2). Last evaluated 2024-05-08.

Conditions:
X-linked Alport syndrome (ATS1). Also called: NEPHROPATHY AND DEAFNESS, X-LINKED; COL4A5-Related Nephropathy. Identifiers: Orphanet 63, Orphanet 88917, MedGen C4746986, MONDO:0010520, OMIM 301050.

Submissions (2):

Myriad Genetics, Inc.
Classification: Pathogenic for X-linked Alport syndrome. Last evaluated: 2024-05-08. Review status: criteria provided, single submitter. Criteria: Myriad Autosomal Dominant, Autosomal Recessive and X-Linked Classification Criteria (2023). Collection method: clinical testing. Allele origin: unknown.
Comment: NM_000495.4(COL4A5):c.659T>A(L220*) is expected to be pathogenic in the context of X-linked Alport syndrome. This variant is predicted to lead to an abnormal or absent protein product due to the creation of a premature termination codon in COL4A5, a gene where loss-of-function variants are known to be pathogenic. Please note: this variant was assessed in the context of healthy population screening.

Victorian Clinical Genetics Services, Murdoch Childrens Research Institute
Classification: Pathogenic for X-linked Alport syndrome. Last evaluated: 2022-02-02. Review status: criteria provided, single submitter. Criteria: ACMG Guidelines, 2015. Collection method: clinical testing. Allele origin: germline. Inheritance: X-linked dominant inheritance.
Comment: Based on the classification scheme VCGS_Germline_v1.3.4, this variant is classified as Pathogenic. Following criteria are met: 0103 - Dominant negative and loss of function are known mechanisms of disease in this gene and are associated with X-linked Alport syndrome 1 (MIM#301050). A dominant negative effect is primarily caused by glycine substitutions that affect the collagen triple helix, while loss of function can be caused by either protein truncating or missense variants (PMID: 24046192, 12028435). (I) 0110 - This gene is associated with X-linked dominant disease. Males are typically more severely affected than females (PMID: 19965530). (I) 0115 - Variants in this gene are known to have variable expressivity. There is intrafamilial variability among affected carrier females, possibly due to variable X-inactivation (PMID: 14514738). (I) 0201 - Variant is predicted to cause nonsense-mediated decay (NMD) and loss of protein (premature termination codon is located at least 54 nucleotides upstream of the final exon-exon junction). (SP) 0251 - This variant is heterozygous. (I) 0301 - Variant is absent from gnomAD (both v2 and v3). (SP) 0701 - Other NMD-predicted variants comparable to the one identified in this case have very strong previous evidence for pathogenicity. NMD-predicted variants are well-reported as pathogenic in affected individuals (ClinVar, PMID: 26809805). (SP) 0807 - This variant has no previous evidence of pathogenicity. (I) 1007 - No published functional evidence has been identified for this variant. (I) Legend: (SP) - Supporting pathogenic, (I) - Information, (SB) - Supporting benign

Literature cited by the submitters: PubMed 12028435 (cited by Victorian Clinical Genetics Services, Murdoch Childrens Research Institute); PubMed 19965530 (cited by Victorian Clinical Genetics Services, Murdoch Childrens Research Institute); PubMed 24046192 (cited by Victorian Clinical Genetics Services, Murdoch Childrens Research Institute); PubMed 26809805 (cited by Victorian Clinical Genetics Services, Murdoch Childrens Research Institute); PubMed 14514738 (cited by Victorian Clinical Genetics Services, Murdoch Childrens Research Institute).

NM_033380.3(COL4A5):c.659T>A (p.Leu220Ter)

Gene: COL4A5 (collagen type IV alpha 5 chain; plus strand). Cytogenetic location: Xq22.3.
Variant type: single nucleotide variant.
Coding change: c.659T>A on transcript NM_033380.3 (MANE Select); coding-DNA position 659, T replaced by A.
Protein change: p.Leu220Ter; replaces leucine 220 with a stop codon.
Molecular consequence: nonsense.
Genome position (GRCh38, 1-based): chrX:108,578,091, T>A. VCF-style: chrX-108578091-T-A. GRCh37 (hg19) VCF-style: chrX-107821321-T-A.
Other names: c.659T>A (NM_033380.2); c.659T>A, p.Leu220Ter (NM_000495.5); short protein forms L220*.
Identifiers: ClinVar variation 975087 (VCV000975087.5), dbSNP rs2066183255, ClinGen allele CA413923574.
Genomic context (GRCh38, chrX:108,578,091, plus strand): 5'-TTTTCTTACTGTCAGTGAGATTTTTAAATGGAAACTTCTCTCTCCAGGGGAATATGGGCT[T>A]AAATTTCCAGGGACCCAAAGGTGAAAAAGTGAGTAAAGAAAGAGAGCTGGTTATTCAGCC-3'